The following is an entry in ClinVar:

ClinVar aggregate classification (germline): Uncertain significance (1 of 4 stars; one submission).

Conditions:
Familial hypobetalipoproteinemia 1. Also called: Hypobetalipoproteinemia, normotriglyceridemic; Acanthocytosis with hypobetalipoproteinemia; APOB-Related Familial Hypobetalipoproteinemia. Identifiers: MedGen C4551990, MONDO:0014252, OMIM 615558.
Hypercholesterolemia, autosomal dominant, type B (FHCL2). Also called: Familial Hypercholesterolemia Type B; APOLIPOPROTEIN B-100, FAMILIAL DEFECTIVE; APOLIPOPROTEIN B-100, FAMILIAL LIGAND-DEFECTIVE; HYPERCHOLESTEROLEMIA, FAMILIAL, DUE TO LIGAND-DEFECTIVE APOLIPOPROTEIN B; APOB-Related Familial Hypercholesterolemia, Autosomal Dominant; Hyperlipoproteinemia Type IIb. Identifiers: MedGen C1704417, MONDO:0007751, OMIM 144010.

Submission:

Labcorp Genetics (formerly Invitae), Labcorp
Classification: Uncertain significance for Familial hypobetalipoproteinemia 1; Hypercholesterolemia, autosomal dominant, type B. Last evaluated: 2025-05-23. Review status: criteria provided, single submitter. Criteria: Invitae Variant Classification Sherloc (09022015). Collection method: clinical testing. Allele origin: germline.
Comment: This sequence change replaces glutamic acid, which is acidic and polar, with lysine, which is basic and polar, at codon 3863 of the APOB protein (p.Glu3863Lys). This variant is not present in population databases (gnomAD no frequency). This variant has not been reported in the literature in individuals affected with APOB-related conditions. Invitae Evidence Modeling of protein sequence and biophysical properties (such as structural, functional, and spatial information, amino acid conservation, physicochemical variation, residue mobility, and thermodynamic stability) indicates that this missense variant is not expected to disrupt APOB protein function with a negative predictive value of 95%. In summary, the available evidence is currently insufficient to determine the role of this variant in disease. Therefore, it has been classified as a Variant of Uncertain Significance.

NM_000384.3(APOB):c.11587G>A (p.Glu3863Lys)

Gene: APOB (apolipoprotein B; minus strand). Cytogenetic location: 2p24.1.
Variant type: single nucleotide variant.
Coding change: c.11587G>A on transcript NM_000384.3 (MANE Select); coding-DNA position 11587, G replaced by A.
Protein change: p.Glu3863Lys; replaces glutamic acid 3863 with lysine.
Molecular consequence: missense variant.
Genome position (GRCh38, 1-based): chr2:21,005,281, C>T on the plus strand (G>A on the coding strand, the complement: APOB is on the minus strand). VCF-style: chr2-21005281-C-T. GRCh37 (hg19) VCF-style: chr2-21228153-C-T.
Other names: short protein forms E3863K.
Identifiers: ClinVar variation 4793101 (VCV004793101.1).